The following is an entry in ClinVar:

NM_020778.5(ALPK3):c.1954_1955dup (p.Gln652fs)

Gene: ALPK3 (alpha kinase 3; plus strand). Cytogenetic location: 15q25.3.
Variant type: Microsatellite.
Coding change: c.1954_1955dup on transcript NM_020778.5 (MANE Select); coding-DNA positions 1954 to 1955, 2 bases duplicated (CA; older notation c.1954_1955dupCA).
Protein change: p.Gln652fs; shifts the reading frame from glutamine 652.
Molecular consequence: frameshift variant.
Genome position (GRCh38, 1-based): chr15:84,856,692-84,856,693, CA duplicated; duplicating any 2 consecutive bases within chr15:84,856,690-84,856,693 gives the same sequence; the c. name uses the placement nearest the transcript's 3' end. VCF-style (leftmost placement, unchanged base first): chr15-84856689-C-CCA. GRCh37 (hg19) VCF-style: chr15-85399920-C-CCA.
Other names: short protein forms Q652fs.
Identifiers: ClinVar variation 4808751 (VCV004808751.1).

ClinVar aggregate classification (germline): Pathogenic (1 of 4 stars; one submission).

Submission:

Labcorp Genetics (formerly Invitae), Labcorp
Classification: Pathogenic. Last evaluated: 2025-08-14. Review status: criteria provided, single submitter. Criteria: Invitae Variant Classification Sherloc (09022015). Collection method: clinical testing. Allele origin: germline.
Comment: This sequence change creates a premature translational stop signal (p.Gln854Hisfs*11) in the ALPK3 gene. It is expected to result in an absent or disrupted protein product. Loss-of-function variants in ALPK3 are known to be pathogenic (PMID: 21441111, 26846950, 27106955, 34263907). This variant is not present in population databases (gnomAD no frequency). This variant has not been reported in the literature in individuals affected with ALPK3-related conditions. For these reasons, this variant has been classified as Pathogenic.

Literature cited by the submitters: PubMed 21441111; PubMed 26846950; PubMed 27106955; PubMed 34263907.